The following is an entry in ClinVar:

ClinVar aggregate classification (germline): Uncertain significance. Review status: criteria provided, multiple submitters, no conflicts (2 of 4 stars). 2 submissions from 2 submitters: Uncertain significance (2). Last evaluated 2025-10-18.

Conditions:
Cardiovascular phenotype. Identifiers: MedGen CN230736.

Submissions (2):

Labcorp Genetics (formerly Invitae), Labcorp
Classification: Uncertain significance. Last evaluated: 2025-10-18. Review status: criteria provided, single submitter. Criteria: Invitae Variant Classification Sherloc (09022015). Collection method: clinical testing. Allele origin: germline.
Comment: This sequence change replaces methionine, which is neutral and non-polar, with threonine, which is neutral and polar, at codon 863 of the ALPK3 protein (p.Met863Thr). This variant is not present in population databases (gnomAD no frequency). This variant has not been reported in the literature in individuals affected with ALPK3-related conditions. ClinVar contains an entry for this variant (Variation ID: 2563960). Invitae Evidence Modeling of protein sequence and biophysical properties (such as structural, functional, and spatial information, amino acid conservation, physicochemical variation, residue mobility, and thermodynamic stability) indicates that this missense variant is not expected to disrupt ALPK3 protein function with a negative predictive value of 80%. In summary, the available evidence is currently insufficient to determine the role of this variant in disease. Therefore, it has been classified as a Variant of Uncertain Significance.

Ambry Genetics
Classification: Uncertain significance for Cardiovascular phenotype. Last evaluated: 2023-05-26. Review status: criteria provided, single submitter. Criteria: Ambry Variant Classification Scheme 2023. Collection method: clinical testing. Allele origin: germline.
Comment: The p.M863T variant (also known as c.2588T>C), located in coding exon 6 of the ALPK3 gene, results from a T to C substitution at nucleotide position 2588. The methionine at codon 863 is replaced by threonine, an amino acid with similar properties. This amino acid position is conserved. In addition, this alteration is predicted to be tolerated by in silico analysis. Since supporting evidence is limited at this time, the clinical significance of this alteration remains unclear.

NM_020778.5(ALPK3):c.1982T>C (p.Met661Thr)

Gene: ALPK3 (alpha kinase 3; plus strand). Cytogenetic location: 15q25.3.
Variant type: single nucleotide variant.
Coding change: c.1982T>C on transcript NM_020778.5 (MANE Select); coding-DNA position 1982, T replaced by C.
Protein change: p.Met661Thr; replaces methionine 661 with threonine.
Molecular consequence: missense variant.
Genome position (GRCh38, 1-based): chr15:84,856,720, T>C. VCF-style: chr15-84856720-T-C. GRCh37 (hg19) VCF-style: chr15-85399951-T-C.
Other names: short protein forms M661T.
Identifiers: ClinVar variation 2563960 (VCV002563960.3), dbSNP rs150227073, ClinGen allele CA393355489.